The following is an entry in ClinVar:

NM_000124.4(ERCC6):c.5del (p.Pro2fs)

Gene: ERCC6 (ERCC excision repair 6, chromatin remodeling factor; minus strand). Cytogenetic location: 10q11.23.
Variant type: Deletion.
Coding change: c.5del on transcript NM_000124.4 (MANE Select); coding-DNA position 5, one base deleted (C; older notation c.5delC).
Protein change: p.Pro2fs; shifts the reading frame from proline 2.
Molecular consequence: frameshift variant.
Genome position (GRCh38, 1-based): chr10:49,532,960, G deleted on the plus strand (C on the coding strand, the reverse complement: ERCC6 is on the minus strand); the first of 2 consecutive G bases (chr10:49,532,960-49,532,961); deleting either gives the same sequence. VCF-style (leftmost placement, unchanged base first): chr10-49532959-TG-T. GRCh37 (hg19) VCF-style: chr10-50741005-TG-T.
Other names: c.5del, p.Pro2fs (NM_001277058.2, NM_001277059.2, NM_001346440.2); short protein forms P2fs.
Identifiers: ClinVar variation 1997329 (VCV001997329.4), dbSNP rs2496175498, ClinGen allele CA2580081576.

ClinVar aggregate classification (germline): Pathogenic (1 of 4 stars; one submission).

Submission:

Labcorp Genetics (formerly Invitae), Labcorp
Classification: Pathogenic. Last evaluated: 2026-01-19. Review status: criteria provided, single submitter. Criteria: Invitae Variant Classification Sherloc (09022015). Collection method: clinical testing. Allele origin: germline.
Comment: This sequence change creates a premature translational stop signal (p.Pro2Glnfs*82) in the ERCC6 gene. It is expected to result in an absent or disrupted protein product. Loss-of-function variants in ERCC6 are known to be pathogenic (PMID: 18628313, 29572252). This variant is not present in population databases (gnomAD no frequency). This variant has not been reported in the literature in individuals affected with ERCC6-related conditions. ClinVar contains an entry for this variant (Variation ID: 1997329). For these reasons, this variant has been classified as Pathogenic.

Literature cited by the submitters: PubMed 18628313; PubMed 29572252.